The following is an entry in ClinVar:

ClinVar aggregate classification (germline): Uncertain significance (1 of 4 stars; one submission).

Conditions:
Inborn genetic diseases. Identifiers: MedGen C0950123, MeSH D030342.

gnomAD v4.1: 6 of 1,613,808 alleles (0.00037%); highest among the groups gnomAD compares: South Asian, 0.0011%; no homozygotes.

Submission:

Ambry Genetics
Classification: Uncertain significance for Inborn genetic diseases. Last evaluated: 2025-01-06. Review status: criteria provided, single submitter. Criteria: Ambry Variant Classification Scheme 2023. Collection method: clinical testing. Allele origin: germline.
Comment: The p.M899V variant (also known as c.2695A>G), located in coding exon 11 of the MECOM gene, results from an A to G substitution at nucleotide position 2695. The methionine at codon 899 is replaced by valine, an amino acid with highly similar properties. This amino acid position is conserved. In addition, this alteration is predicted to be tolerated by in silico analysis. Based on the available evidence, the clinical significance of this variant remains unclear.

NM_004991.4(MECOM):c.2695A>G (p.Met899Val)

Gene: MECOM (MDS1 and EVI1 complex locus; minus strand). Cytogenetic location: 3q26.2.
Variant type: single nucleotide variant.
Coding change: c.2695A>G on transcript NM_004991.4 (MANE Select); coding-DNA position 2695, A replaced by G.
Protein change: p.Met899Val; replaces methionine 899 with valine.
Molecular consequence: missense variant.
Genome position (GRCh38, 1-based): chr3:169,102,136, T>C on the plus strand (A>G on the coding strand, the complement: MECOM is on the minus strand). VCF-style: chr3-169102136-T-C. GRCh37 (hg19) VCF-style: chr3-168819924-T-C.
Other names: c.2326A>G, p.Met776Val (NM_001105077.4); c.2131A>G, p.Met711Val (NM_001105078.4, NM_001205194.2, NM_001366469.2 and 1 more transcripts); c.2107A>G, p.Met703Val (NM_001163999.2, NM_001366470.2); c.2104A>G, p.Met702Val (NM_001164000.2, NM_001366471.2, NM_001366472.2); c.2668A>G, p.Met890Val (NM_001366466.2); c.2134A>G, p.Met712Val (NM_001366467.2, NM_001366468.2); c.1696A>G, p.Met566Val (NM_001366473.2); c.1132A>G, p.Met378Val (NM_001366474.2); short protein forms M566V, M890V, M703V, M899V, M702V, M711V, M378V, M712V.
Identifiers: ClinVar variation 3871676 (VCV003871676.1).